The following is an entry in ClinVar:

ClinVar aggregate classification (germline): Pathogenic (1 of 4 stars; one submission).

Conditions:
Hereditary breast ovarian cancer syndrome. Also called: Hereditary breast and ovarian cancer syndrome (HBOC); Hereditary breast and ovarian cancer syndrome; Hereditary breast and ovarian cancer; Breast and ovarian cancer; BRCA1- and BRCA2-Associated Hereditary Breast and Ovarian Cancer; Hereditary breast and/or ovarian cancer syndrome. Identifiers: Orphanet 145, MedGen C0677776, MeSH D061325, MONDO:0003582. Disease mechanism: loss of function.

Submission:

Labcorp Genetics (formerly Invitae), Labcorp
Classification: Pathogenic for Hereditary breast ovarian cancer syndrome. Last evaluated: 2022-06-23. Review status: criteria provided, single submitter. Criteria: Invitae Variant Classification Sherloc (09022015). Collection method: clinical testing. Allele origin: germline.
Comment: For these reasons, this variant has been classified as Pathogenic. This variant has not been reported in the literature in individuals affected with BRCA1-related conditions. This variant is not present in population databases (gnomAD no frequency). This sequence change creates a premature translational stop signal (p.Gly1332*) in the BRCA1 gene. It is expected to result in an absent or disrupted protein product. Loss-of-function variants in BRCA1 are known to be pathogenic (PMID: 20104584).

Literature cited by the submitters: PubMed 20104584.

NM_007294.4(BRCA1):c.3994_4007del (p.Gln1331_Gly1332insTer)

Genes: BRCA1 (BRCA1 DNA repair associated; minus strand), LOC126862571 (BRD4-independent group 4 enhancer GRCh37_chr17:41243136-41244335; plus strand). Cytogenetic location: 17q21.31.
Variant type: Deletion.
Coding change: c.3994_4007del on transcript NM_007294.4 (MANE Select); coding-DNA positions 3994 to 4007, 14 bases deleted (GGAGTTGGTCTGAG).
Protein change: p.Gln1331_Gly1332insTer.
Molecular consequence: nonsense. On other transcripts: intron variant (135).
Genome position (GRCh38, 1-based): chr17:43,091,524-43,091,537, CTCAGACCAACTCC deleted on the plus strand (GGAGTTGGTCTGAG on the coding strand, the reverse complement: BRCA1 is on the minus strand); deleting any 14 consecutive bases within chr17:43,091,524-43,091,539 gives the same sequence; the c. name uses the placement nearest the transcript's 3' end. VCF-style (leftmost placement, unchanged base first): chr17-43091523-ACTCAGACCAACTCC-A. GRCh37 (hg19) VCF-style: chr17-41243540-ACTCAGACCAACTCC-A.
Other names: c.3781_3794del, p.Gln1260_Gly1261insTer (NM_001407894.1, NM_001407895.1, NM_001407896.1 and 9 more transcripts); c.3790_3803del, p.Gln1263_Gly1264insTer (NM_001407874.1, NM_001407875.1); c.3784_3797del, p.Gln1261_Gly1262insTer (NM_001407879.1, NM_001407881.1, NM_001407882.1 and 13 more transcripts); c.3991_4004del, p.Gln1330_Gly1331insTer (NM_001407860.1, NM_001407861.1, NM_001407587.1 and 22 more transcripts); c.3793_3806del, p.Gln1264_Gly1265insTer (NM_001407862.1); c.3871_3884del, p.Gln1290_Gly1291insTer (NM_001407863.1, NM_001407648.1, NM_001407664.1 and 19 more transcripts); c.3994_4007del, p.Gln1331_Gly1332insTer (NM_001407859.1, NM_001407581.1, NM_001407582.1 and 30 more transcripts); c.3985_3998del, p.Gln1328_Gly1329insTer (NM_001407646.1, NM_001407647.1); and 41 more.
Identifiers: ClinVar variation 2009017 (VCV002009017.4), dbSNP rs2552113740, ClinGen allele CA2580094253.